The following is an entry in ClinVar:

NM_006060.6(IKZF1):c.885C>T (p.Ser295=)

Gene: IKZF1 (IKAROS family zinc finger 1; plus strand). Cytogenetic location: 7p12.2.
Variant type: single nucleotide variant.
Coding change: c.885C>T on transcript NM_006060.6 (MANE Select); coding-DNA position 885, C replaced by T.
Protein change: p.Ser295=; no amino-acid change (serine 295 retained).
Molecular consequence: synonymous variant.
Genome position (GRCh38, 1-based): chr7:50,399,952, C>T. VCF-style: chr7-50399952-C-T. GRCh37 (hg19) VCF-style: chr7-50467650-C-T.
Other names: c.759C>T, p.Ser253= (NM_001220765.3, NM_001291837.2); c.594C>T, p.Ser198= (NM_001220767.2); c.624C>T, p.Ser208= (NM_001220768.2, NM_001291838.2); c.468C>T, p.Ser156= (NM_001220770.2); c.456C>T, p.Ser152= (NM_001220771.2, NM_001291841.1); c.498C>T, p.Ser166= (NM_001291839.2); c.195C>T, p.Ser65= (NM_001291840.1); c.426C>T, p.Ser142= (NM_001291842.1); and 3 more.
Identifiers: ClinVar variation 1976097 (VCV001976097.5), dbSNP rs553569568, ClinGen allele CA158198001.
Genomic context (GRCh38, chr7:50,399,952, plus strand): 5'-CACTCACTGTCGCCTGCTTTCCACAGGGGACAAGGGCCTGTCCGACACGCCCTACGACAG[C>T]AGCGCCAGCTACGAGAAGGAGAACGAAATGATGAAGTCCCACGTGATGGACCAAGCCATC-3'
Protein context (NP_006051.1, residues 285-305): DKGLSDTPYD[Ser295=]SASYEKENEM

ClinVar aggregate classification (germline): Uncertain significance (1 of 4 stars; one submission).

Allele frequency attached by ClinVar (database versions not stated): gnomAD exomes below 0.00001.
gnomAD v4.1: 1 of 1,613,328 alleles (0.000062%); highest among the groups gnomAD compares: South Asian, 0.0011%; no homozygotes.

Submission:

Labcorp Genetics (formerly Invitae), Labcorp
Classification: Uncertain significance. Last evaluated: 2022-06-22. Review status: criteria provided, single submitter. Criteria: Invitae Variant Classification Sherloc (09022015). Collection method: clinical testing. Allele origin: germline.
Comment: In summary, the available evidence is currently insufficient to determine the role of this variant in disease. Therefore, it has been classified as a Variant of Uncertain Significance. Experimental studies and prediction algorithms are not available or were not evaluated, and the effect of this variant on mRNA splicing is currently unknown. This variant has not been reported in the literature in individuals affected with IKZF1-related conditions. This variant is not present in population databases (gnomAD no frequency). This sequence change affects codon 295 of the IKZF1 mRNA. It is a 'silent' change, meaning that it does not change the encoded amino acid sequence of the IKZF1 protein.